The following is an entry in ClinVar:

ClinVar aggregate classification (germline): Uncertain significance (1 of 4 stars; one submission).

Submission:

GeneDx
Classification: Uncertain significance. Last evaluated: 2022-10-07. Review status: criteria provided, single submitter. Criteria: GeneDx Variant Classification Process June 2021. Collection method: clinical testing. Allele origin: germline. Affected: yes.
Comment: Not observed at significant frequency in large population cohorts (gnomAD); Canonical splice site variant with an unclear effect on protein function; Has not been previously published as pathogenic or benign to our knowledge

NM_018896.5(CACNA1G):c.3690+1G>A

Gene: CACNA1G (calcium voltage-gated channel subunit alpha1 G; plus strand). Cytogenetic location: 17q21.33.
Variant type: single nucleotide variant.
Coding change: c.3690+1G>A on transcript NM_018896.5 (MANE Select); the canonical splice donor site of the intron after coding-DNA position 3690, G replaced by A.
Molecular consequence: splice donor variant.
Genome position (GRCh38, 1-based): chr17:50,599,860, G>A. VCF-style: chr17-50599860-G-A. GRCh37 (hg19) VCF-style: chr17-48677221-G-A.
Other names: c.3690+1G>A (NM_001256325.2, NM_198377.3, NM_198380.3 and 16 more transcripts); c.3621+1G>A (NM_198396.3, NM_198379.3, NM_198387.3 and 5 more transcripts).
Identifiers: ClinVar variation 2499337 (VCV002499337.1), dbSNP rs910415526, ClinGen allele CA400254139.
Genomic context (GRCh38, chr17:50,599,860, plus strand): 5'-GCCCTGCGGCCTGATGACCCCCCACTGGATGGGGATGACGCCGATGACGAGGGCAACCTG[G>A]TGAGGCCCCTGTGGGCACAGTGACCCCTCACCCCTGACCTTGAAAGAGGGGAGGTGTGCC-3'